The following is an entry in ClinVar:

NM_173854.6(SLC41A1):c.1046T>C (p.Met349Thr)

Gene: SLC41A1 (solute carrier family 41 member 1; minus strand). Cytogenetic location: 1q32.1.
Variant type: single nucleotide variant.
Coding change: c.1046T>C on transcript NM_173854.6 (MANE Select); coding-DNA position 1046, T replaced by C.
Protein change: p.Met349Thr; replaces methionine 349 with threonine.
Molecular consequence: missense variant.
Genome position (GRCh38, 1-based): chr1:205,796,950, A>G on the plus strand (T>C on the coding strand, the complement: SLC41A1 is on the minus strand). VCF-style: chr1-205796950-A-G. GRCh37 (hg19) VCF-style: chr1-205766078-A-G.
Other names: short protein forms M349T.
Identifiers: ClinVar variation 3638474 (VCV003638474.2).

ClinVar aggregate classification (germline): Uncertain significance (1 of 4 stars; one submission).

Submission:

Labcorp Genetics (formerly Invitae), Labcorp
Classification: Uncertain significance. Last evaluated: 2024-02-16. Review status: criteria provided, single submitter. Criteria: Invitae Variant Classification Sherloc (09022015). Collection method: clinical testing. Allele origin: germline.
Comment: This sequence change replaces methionine, which is neutral and non-polar, with threonine, which is neutral and polar, at codon 349 of the SLC41A1 protein (p.Met349Thr). This variant is not present in population databases (gnomAD no frequency). This variant has not been reported in the literature in individuals affected with SLC41A1-related conditions. An algorithm developed to predict the effect of missense changes on protein structure and function (PolyPhen-2) suggests that this variant is likely to be tolerated. In summary, the available evidence is currently insufficient to determine the role of this variant in disease. Therefore, it has been classified as a Variant of Uncertain Significance.